The following is an entry in ClinVar:

ClinVar aggregate classification (germline): Likely pathogenic (1 of 4 stars; one submission).

Submission:

CeGaT Center for Human Genetics Tuebingen
Classification: Likely pathogenic. Last evaluated: 2024-09-01. Review status: criteria provided, single submitter. Criteria: CeGaT Center For Human Genetics Tuebingen Variant Classification Criteria Version 2. Collection method: clinical testing. Allele origin: germline. Affected: yes. Observed: 1 variant allele.
Comment: TCF4: PVS1:Strong, PM2

NM_001083962.2(TCF4):c.1775del (p.Gly592fs)

Gene: TCF4 (transcription factor 4; minus strand). Cytogenetic location: 18q21.2.
Variant type: Deletion.
Coding change: c.1775del on transcript NM_001083962.2 (MANE Select); coding-DNA position 1775, one base deleted (G; older notation c.1775delG).
Protein change: p.Gly592fs; shifts the reading frame from glycine 592.
Molecular consequence: frameshift variant.
Genome position (GRCh38, 1-based): chr18:55,228,951, C deleted on the plus strand (G on the coding strand, the reverse complement: TCF4 is on the minus strand); the first of 2 consecutive C bases (chr18:55,228,951-55,228,952); deleting either gives the same sequence. VCF-style (leftmost placement, unchanged base first): chr18-55228950-GC-G. GRCh37 (hg19) VCF-style: chr18-52896181-GC-G.
Other names: c.2081del, p.Gly694fs (NM_001243226.3); c.1703del, p.Gly568fs (NM_001243227.2, NM_001348217.1, NM_001348218.2 and 1 more transcripts); c.1793del, p.Gly598fs (NM_001243228.2); c.1754del, p.Gly585fs (NM_001243230.2); c.1637del, p.Gly546fs (NM_001243231.2); c.1562del, p.Gly521fs (NM_001243232.1); c.1373del, p.Gly458fs (NM_001243233.2, NM_001348212.2); c.1295del, p.Gly432fs (NM_001243234.2, NM_001348216.2); and 14 more; short protein forms G376fs, G427fs, G428fs, G432fs, G458fs, G462fs, G517fs, G521fs.
Identifiers: ClinVar variation 3389614 (VCV003389614.14).